The following is an entry in ClinVar:

NM_000059.4(BRCA2):c.6840G>T (p.Val2280=)

Gene: BRCA2 (BRCA2 DNA repair associated; plus strand). Cytogenetic location: 13q13.1.
Variant type: single nucleotide variant.
Coding change: c.6840G>T on transcript NM_000059.4 (MANE Select); coding-DNA position 6840, G replaced by T.
Protein change: p.Val2280=; no amino-acid change (valine 2280 retained).
Molecular consequence: synonymous variant.
Genome position (GRCh38, 1-based): chr13:32,341,195, G>T. VCF-style: chr13-32341195-G-T. GRCh37 (hg19) VCF-style: chr13-32915332-G-T.
Identifiers: ClinVar variation 415668 (VCV000415668.14), dbSNP rs1060504620, ClinGen allele CA16613920.

ClinVar aggregate classification (germline): Conflicting classifications of pathogenicity. Review status: criteria provided, conflicting classifications (1 of 4 stars). 3 submissions from 3 submitters: Uncertain significance (1); Likely benign (2). Last evaluated 2026-04-01.

Conditions:
Hereditary cancer-predisposing syndrome. Also called: Hereditary Cancer Syndrome; Tumor predisposition; Hereditary neoplastic syndrome; Neoplastic Syndromes, Hereditary. Identifiers: Orphanet 140162, MedGen C0027672, MeSH D009386, MONDO:0015356.
Hereditary breast ovarian cancer syndrome. Also called: Hereditary breast and ovarian cancer syndrome; Hereditary breast and/or ovarian cancer syndrome; Hereditary breast and ovarian cancer syndrome (HBOC); Hereditary breast and ovarian cancer; Breast and ovarian cancer; BRCA1- and BRCA2-Associated Hereditary Breast and Ovarian Cancer. Identifiers: Orphanet 145, MedGen C0677776, MeSH D061325, MONDO:0003582. Disease mechanism: loss of function.

Submissions (3):

Ambry Genetics
Classification: Likely benign for Hereditary cancer-predisposing syndrome. Last evaluated: 2026-04-01. Review status: criteria provided, single submitter. Criteria: Ambry Variant Classification Scheme 2023. Collection method: clinical testing. Allele origin: germline.

Labcorp Genetics (formerly Invitae), Labcorp
Classification: Likely benign for Hereditary breast ovarian cancer syndrome. Last evaluated: 2025-05-28. Review status: criteria provided, single submitter. Criteria: Invitae Variant Classification Sherloc (09022015). Collection method: clinical testing. Allele origin: germline.

Women's Health and Genetics/Laboratory Corporation of America, LabCorp
Classification: Uncertain significance. Last evaluated: 2024-12-12. Review status: criteria provided, single submitter. Criteria: LabCorp Variant Classification Summary - May 2015. Collection method: clinical testing. Allele origin: germline.
Comment: Variant summary: BRCA2 c.6840G>T (p.Val2280Val) alters a conserved nucleotide located close to a canonical splice site and therefore could affect mRNA splicing, leading to a significantly altered protein sequence. Consensus agreement among computation tools predict no significant impact on normal splicing. However, these predictions have yet to be confirmed by functional studies. The variant was absent in 250086 control chromosomes. The available data on variant occurrences in the general population are insufficient to allow any conclusion about variant significance. c.6840G>T has been reported in the literature in at least one individual affected with breast and/or ovarian cancer without evidence of causality (e.g. Azzolini_2016). This report does not provide unequivocal conclusions about association of the variant with Hereditary Breast And Ovarian Cancer Syndrome. To our knowledge, no experimental evidence demonstrating an impact on protein function has been reported. The following publication has been ascertained in the context of this evaluation (PMID: 27062684). ClinVar contains an entry for this variant (Variation ID: 415668). Based on the evidence outlined above, the variant was classified as uncertain significance.

Literature cited by the submitters: PubMed 27062684 (cited by Women's Health and Genetics/Laboratory Corporation of America, LabCorp).